The following is an entry in ClinVar:

NM_022124.6(CDH23):c.46del (p.Val16fs)

Gene: CDH23 (cadherin related 23; plus strand). Cytogenetic location: 10q22.1.
Variant type: Deletion.
Coding change: c.46del on transcript NM_022124.6 (MANE Select); coding-DNA position 46, one base deleted (G; older notation c.46delG).
Protein change: p.Val16fs; shifts the reading frame from valine 16.
Molecular consequence: frameshift variant.
Genome position (GRCh38, 1-based): chr10:71,439,877, G deleted; the last of 2 consecutive G bases (chr10:71,439,876-71,439,877); deleting either gives the same sequence. VCF-style (leftmost placement, unchanged base first): chr10-71439875-TG-T. GRCh37 (hg19) VCF-style: chr10-73199632-TG-T.
Other names: c.46del, p.Val16fs (NM_001171930.2, NM_001171931.2, NM_001171932.2 and 1 more transcripts); short protein forms V16fs.
Identifiers: ClinVar variation 45954 (VCV000045954.4), dbSNP rs397517331, ClinGen allele CA261784.

ClinVar aggregate classification (germline): Pathogenic (1 of 4 stars; one submission).

Conditions:
Rare genetic deafness. Identifiers: Orphanet 96210, MedGen C5680250.

Submission:

Laboratory for Molecular Medicine, Mass General Brigham Personalized Medicine
Classification: Pathogenic for Rare genetic deafness. Last evaluated: 2010-11-01. Review status: criteria provided, single submitter. Criteria: LMM Criteria. Collection method: clinical testing. Allele origin: germline. Observed: 2 variant alleles.
Comment: The Val16fs variant in CDH23 has not been reported in the literature nor previou sly identified by our laboratory. However, the Val16fs variant is predicted to c ause a frameshift, which alters the protein's amino acid sequence beginning at c odon 16 and leads to a premature stop codon 1 codons downstream. This alteration is then predicted to lead to a truncated or absent protein. In summary, this va riant meets our criteria to be classified as pathogenic.